The following is an entry in ClinVar:

NM_182919.4(TICAM1):c.1333G>A (p.Ala445Thr)

Gene: TICAM1 (TIR domain containing adaptor molecule 1; minus strand). Cytogenetic location: 19p13.3.
Variant type: single nucleotide variant.
Coding change: c.1333G>A on transcript NM_182919.4 (MANE Select); coding-DNA position 1333, G replaced by A.
Protein change: p.Ala445Thr; replaces alanine 445 with threonine.
Molecular consequence: missense variant.
Genome position (GRCh38, 1-based): chr19:4,817,045, C>T on the plus strand (G>A on the coding strand, the complement: TICAM1 is on the minus strand). VCF-style: chr19-4817045-C-T. GRCh37 (hg19) VCF-style: chr19-4817057-C-T.
Other names: c.1291G>A, p.Ala431Thr (NM_001385678.1); c.1198G>A, p.Ala400Thr (NM_001385679.1); c.691G>A, p.Ala231Thr (NM_001385680.1); short protein forms A231T, A400T, A431T, A445T.
Identifiers: ClinVar variation 3026602 (VCV003026602.22), dbSNP rs1400867889, ClinGen allele CA403490080.

ClinVar aggregate classification (germline): Uncertain significance (1 of 4 stars; one submission).

Allele frequency attached by ClinVar (database versions not stated): gnomAD exomes 0.00001; TOPMed 0.00001; gnomAD 0.00003.
gnomAD v4.1: 14 of 1,613,962 alleles (0.00087%); highest among the groups gnomAD compares: Non-Finnish European, 0.001%; no homozygotes.

Submission:

CeGaT Center for Human Genetics Tuebingen
Classification: Uncertain significance. Last evaluated: 2024-01-01. Review status: criteria provided, single submitter. Criteria: CeGaT Center For Human Genetics Tuebingen Variant Classification Criteria Version 2. Collection method: clinical testing. Allele origin: germline. Affected: yes. Observed: 1 variant allele.
Comment: TICAM1: PM2